The following is an entry in ClinVar:

ClinVar aggregate classification (germline): Conflicting classifications of pathogenicity. Review status: criteria provided, conflicting classifications (1 of 4 stars). 2 submissions from 2 submitters: Likely pathogenic (1); Uncertain significance (1). Last evaluated 2025-07-09.

Conditions:
Wilson disease (WND). Also called: Wilson's disease. Identifiers: Orphanet 905, MedGen C0019202, MONDO:0010200, OMIM 277900. Disease mechanism: loss of function.

Submissions (2):

Labcorp Genetics (formerly Invitae), Labcorp
Classification: Likely pathogenic for Wilson disease. Last evaluated: 2025-07-09. Review status: criteria provided, single submitter. Criteria: Invitae Variant Classification Sherloc (09022015). Collection method: clinical testing. Allele origin: germline.
Comment: This sequence change replaces serine, which is neutral and polar, with tyrosine, which is neutral and polar, at codon 693 of the ATP7B protein (p.Ser693Tyr). This variant is not present in population databases (gnomAD no frequency). This missense change has been observed in individual(s) with Wilson disease (PMID: 17272994). ClinVar contains an entry for this variant (Variation ID: 632661). Invitae Evidence Modeling of protein sequence and biophysical properties (such as structural, functional, and spatial information, amino acid conservation, physicochemical variation, residue mobility, and thermodynamic stability) indicates that this missense variant is expected to disrupt ATP7B protein function with a positive predictive value of 80%. This variant disrupts the p.Ser693 amino acid residue in ATP7B. Other variant(s) that disrupt this residue have been determined to be pathogenic (PMID: 18034201; internal data). This suggests that this residue is clinically significant, and that variants that disrupt this residue are likely to be disease-causing. In summary, the currently available evidence indicates that the variant is pathogenic, but additional data are needed to prove that conclusively. Therefore, this variant has been classified as Likely Pathogenic.

Women's Health and Genetics/Laboratory Corporation of America, LabCorp
Classification: Uncertain significance. Last evaluated: 2018-11-16. Review status: criteria provided, single submitter. Criteria: LabCorp Variant Classification Summary - May 2015. Collection method: clinical testing. Allele origin: germline.
Comment: Variant summary: ATP7B c.2078C>A (p.Ser693Tyr) results in a non-conservative amino acid change in the encoded protein sequence. Five of five in-silico tools predict a damaging effect of the variant on protein function. The variant was absent in 245986 control chromosomes (gnomAD and publication). The available data on variant occurrences in the general population are insufficient to allow any conclusion about variant significance. The c.2078C>A variant has been reported in the literature in one individual affected with Wilson Disease (Folhoffer_2006). Additionally, two other missense substitutions at the same codon have been associated with disease (p.S693C, p.S693P), suggesting the amino acid may be important for protein function. However, these data do not allow any strong conclusions about variant significance. To our knowledge, no experimental evidence demonstrating an impact on protein function has been reported. No clinical diagnostic laboratories have submitted clinical-significance assessments for this variant to ClinVar after 2014. Based on the evidence outlined above, the variant was classified as VUS-possibly pathogenic.

Literature cited by the submitters: PubMed 17272994 (cited by Labcorp Genetics (formerly Invitae), Labcorp and Women's Health and Genetics/Laboratory Corporation of America, LabCorp); PubMed 18034201 (cited by Labcorp Genetics (formerly Invitae), Labcorp); PubMed 22692182 (cited by Women's Health and Genetics/Laboratory Corporation of America, LabCorp).

NM_000053.4(ATP7B):c.2078C>A (p.Ser693Tyr)

Gene: ATP7B (ATPase copper transporting beta; minus strand). Cytogenetic location: 13q14.3.
Variant type: single nucleotide variant.
Coding change: c.2078C>A on transcript NM_000053.4 (MANE Select); coding-DNA position 2078, C replaced by A.
Protein change: p.Ser693Tyr; replaces serine 693 with tyrosine.
Molecular consequence: missense variant. On other transcripts: intron variant (2).
Genome position (GRCh38, 1-based): chr13:51,960,191, G>T on the plus strand (C>A on the coding strand, the complement: ATP7B is on the minus strand). VCF-style: chr13-51960191-G-T. GRCh37 (hg19) VCF-style: chr13-52534327-G-T.
Other names: c.1745C>A, p.Ser582Tyr (NM_001243182.2); c.2078C>A, p.Ser693Tyr (NM_001330578.2); c.1870-2584C>A (NM_001005918.3); c.1870-1647C>A (NM_001330579.2); short protein forms S693Y, S582Y.
Identifiers: ClinVar variation 632661 (VCV000632661.5), dbSNP rs1212479289, ClinGen allele CA388024606.